The following is an entry in ClinVar:

ClinVar aggregate classification (germline): Likely pathogenic (1 of 4 stars; one submission).

Conditions:
Microcephaly 1, primary, autosomal recessive (MCPH1). Also called: PREMATURE CHROMOSOME CONDENSATION SYNDROME; PCC SYNDROME; PREMATURE CHROMOSOME CONDENSATION WITH MICROCEPHALY AND MENTAL RETARDATION. Identifiers: Orphanet 2512, MedGen C1855081, MONDO:0009617, OMIM 251200.

Submission:

Centre for Mendelian Genomics, University Medical Centre Ljubljana
Classification: Likely pathogenic for Microcephaly 1, primary, autosomal recessive. Last evaluated: 2019-01-29. Review status: criteria provided, single submitter. Criteria: ACMG Guidelines, 2015. Collection method: clinical testing. Allele origin: unknown. Affected: yes.
Comment: This variant was classified as: Likely pathogenic. The following ACMG criteria were applied in classifying this variant: PVS1,PM2.

NM_024596.5(MCPH1):c.2002del (p.Asp668fs)

Gene: MCPH1 (microcephalin 1; plus strand). Cytogenetic location: 8p23.1.
Variant type: Deletion.
Coding change: c.2002del on transcript NM_024596.5 (MANE Select); coding-DNA position 2002, one base deleted (G; older notation c.2002delG).
Protein change: p.Asp668fs; shifts the reading frame from aspartic acid 668.
Molecular consequence: frameshift variant. On other transcripts: intron variant (1).
Genome position (GRCh38, 1-based): chr8:6,480,742, G deleted; the last of 2 consecutive G bases (chr8:6,480,741-6,480,742); deleting either gives the same sequence. VCF-style (leftmost placement, unchanged base first): chr8-6480740-TG-T. GRCh37 (hg19) VCF-style: chr8-6338261-TG-T.
Other names: c.2002del, p.Asp668fs (NM_001322042.2, NM_001363979.1); c.1935+25490del (NM_001363980.2); short protein forms D668fs.
Identifiers: ClinVar variation 931382 (VCV000931382.3), dbSNP rs1809112398, ClinGen allele CA1139660364.
Genomic context (GRCh38, chr8:6,480,740, plus strand): 5'-ATTCATTTTGTTAATTTTTCCCCCGATTTGACAGAAAGCAGAATGTCGTCATCCAGGTTG[TG>T]GATAAATTGAAAGGCTTTTCAATTGCACCAGACGTCTGTGAGACCACGACTCACGTGCTT-3'